The following is an entry in ClinVar:

NM_000111.3(SLC26A3):c.240del (p.Ile81fs)

Gene: SLC26A3 (solute carrier family 26 member 3; minus strand). Cytogenetic location: 7q22.3.
Variant type: Deletion.
Coding change: c.240del on transcript NM_000111.3 (MANE Select); coding-DNA position 240, one base deleted (T; older notation c.240delT).
Protein change: p.Ile81fs; shifts the reading frame from isoleucine 81.
Molecular consequence: frameshift variant.
Genome position (GRCh38, 1-based): chr7:107,793,773, A deleted on the plus strand (T on the coding strand, the reverse complement: SLC26A3 is on the minus strand). VCF-style (leftmost placement, unchanged base first): chr7-107793772-TA-T. GRCh37 (hg19) VCF-style: chr7-107434217-TA-T.
Other names: short protein forms I81fs.
Identifiers: ClinVar variation 2743332 (VCV002743332.3), dbSNP rs2535477061, ClinGen allele CA2697557528.

ClinVar aggregate classification (germline): Pathogenic (1 of 4 stars; one submission).

Submission:

Labcorp Genetics (formerly Invitae), Labcorp
Classification: Pathogenic. Last evaluated: 2023-07-14. Review status: criteria provided, single submitter. Criteria: Invitae Variant Classification Sherloc (09022015). Collection method: clinical testing. Allele origin: germline.
Comment: For these reasons, this variant has been classified as Pathogenic. This variant has not been reported in the literature in individuals affected with SLC26A3-related conditions. This variant is not present in population databases (gnomAD no frequency). This sequence change creates a premature translational stop signal (p.Ile81Serfs*12) in the SLC26A3 gene. It is expected to result in an absent or disrupted protein product. Loss-of-function variants in SLC26A3 are known to be pathogenic (PMID: 9718329, 21394828).

Literature cited by the submitters: PubMed 9718329; PubMed 21394828.